The following is an entry in ClinVar:

ClinVar aggregate classification (germline): Uncertain significance. Review status: criteria provided, multiple submitters, no conflicts (2 of 4 stars). 2 submissions from 2 submitters: Uncertain significance (2). Last evaluated 2022-03-22.

Allele frequency attached by ClinVar (database versions not stated): gnomAD exomes 0.00001; gnomAD 0.00004 and 0.00005.
gnomAD v4.1: 131 of 1,610,672 alleles (0.0081%); highest among the groups gnomAD compares: Non-Finnish European, 0.011%; no homozygotes.

Submissions (2):

GeneDx
Classification: Uncertain significance. Last evaluated: 2022-03-22. Review status: criteria provided, single submitter. Criteria: GeneDx Variant Classification Process June 2021. Collection method: clinical testing. Allele origin: germline. Affected: yes.
Comment: Not observed at significant frequency in large population cohorts (gnomAD); In silico analysis supports that this missense variant does not alter protein structure/function; Has not been previously published as pathogenic or benign to our knowledge

Labcorp Genetics (formerly Invitae), Labcorp
Classification: Uncertain significance. Last evaluated: 2021-08-28. Review status: criteria provided, single submitter. Criteria: Invitae Variant Classification Sherloc (09022015). Collection method: clinical testing. Allele origin: germline.
Comment: In summary, the available evidence is currently insufficient to determine the role of this variant in disease. Therefore, it has been classified as a Variant of Uncertain Significance. Algorithms developed to predict the effect of missense changes on protein structure and function are either unavailable or do not agree on the potential impact of this missense change (SIFT: "Deleterious"; PolyPhen-2: "Possibly Damaging"; Align-GVGD: "Class C0"). This variant has not been reported in the literature in individuals affected with TRIOBP-related conditions. This variant is not present in population databases (ExAC no frequency). This sequence change replaces valine with methionine at codon 1164 of the TRIOBP protein (p.Val1164Met). The valine residue is weakly conserved and there is a small physicochemical difference between valine and methionine.

NM_001039141.3(TRIOBP):c.3490G>A (p.Val1164Met)

Gene: TRIOBP (TRIO and F-actin binding protein; plus strand). Cytogenetic location: 22q13.1.
Variant type: single nucleotide variant.
Coding change: c.3490G>A on transcript NM_001039141.3 (MANE Select); coding-DNA position 3490, G replaced by A.
Protein change: p.Val1164Met; replaces valine 1164 with methionine.
Molecular consequence: missense variant.
Genome position (GRCh38, 1-based): chr22:37,726,046, G>A. VCF-style: chr22-37726046-G-A. GRCh37 (hg19) VCF-style: chr22-38122053-G-A.
Other names: short protein forms V1164M.
Identifiers: ClinVar variation 1496276 (VCV001496276.7), dbSNP rs1032335712, ClinGen allele CA324136312.